The following is an entry in ClinVar:

NM_004667.6(HERC2):c.10710C>T (p.Ser3570=)

Gene: HERC2 (HECT and RLD domain containing E3 ubiquitin protein ligase 2; minus strand). Cytogenetic location: 15q13.1.
Variant type: single nucleotide variant.
Coding change: c.10710C>T on transcript NM_004667.6 (MANE Select); coding-DNA position 10710, C replaced by T.
Protein change: p.Ser3570=; no amino-acid change (serine 3570 retained).
Molecular consequence: synonymous variant.
Genome position (GRCh38, 1-based): chr15:28,163,130, G>A on the plus strand (C>T on the coding strand, the complement: HERC2 is on the minus strand). VCF-style: chr15-28163130-G-A. GRCh37 (hg19) VCF-style: chr15-28408276-G-A.
Identifiers: ClinVar variation 4821512 (VCV004821512.4).
Genomic context (GRCh38, chr15:28,163,130, plus strand): 5'-GGCCCCGCCCTCCCTGAGACTCACCTGTGGGTAGGCGGTCCCCATGCCGGAAAGCACCGC[G>A]GAGAGCACATCCCTGCCCCTGTCCCCGGCCCGGCTGCACACTGACAGCTTGAGCAGGTCT-3'
Protein context (NP_004658.3, residues 3560-3580): RAGDRGRDVL[Ser3570=]AVLSGMGTAY

ClinVar aggregate classification (germline): Likely benign (1 of 4 stars; one submission).

gnomAD v4.1: 174 of 1,612,004 alleles (0.011%); highest among the groups gnomAD compares: African/African-American, 0.12%; 1 homozygote.

Submission:

CeGaT Center for Human Genetics Tuebingen
Classification: Likely benign. Last evaluated: 2026-03-01. Review status: criteria provided, single submitter. Criteria: CeGaT Center For Human Genetics Tuebingen Variant Classification Criteria Version 2. Collection method: clinical testing. Allele origin: germline. Affected: yes. Observed: 1 variant allele.
Comment: HERC2: BP4, BP7